The following is an entry in ClinVar:

NM_012199.5(AGO1):c.1315C>T (p.Gln439Ter)

Gene: AGO1 (argonaute RISC component 1; plus strand). Cytogenetic location: 1p34.3.
Variant type: single nucleotide variant.
Coding change: c.1315C>T on transcript NM_012199.5 (MANE Select); coding-DNA position 1315, C replaced by T.
Protein change: p.Gln439Ter; replaces glutamine 439 with a stop codon.
Molecular consequence: nonsense.
Genome position (GRCh38, 1-based): chr1:35,902,255, C>T. VCF-style: chr1-35902255-C-T. GRCh37 (hg19) VCF-style: chr1-36367856-C-T.
Other names: c.1315C>T, p.Gln439Ter (NM_001317122.2); c.1090C>T, p.Gln364Ter (NM_001317123.2); short protein forms Q364*, Q439*.
Identifiers: ClinVar variation 3378140 (VCV003378140.1).
Genomic context (GRCh38, chr1:35,902,255, plus strand): 5'-TATCCCCAGAACCGGGCCATTGCCACACCCAATCAGGGTGTCTGGGACATGCGGGGGAAA[C>T]AGTTCTACAATGGGATTGAGATCAAAGTCTGGGCCATCGCCTGCTTCGCACCCCAAAAAC-3'

ClinVar aggregate classification (germline): Uncertain significance (1 of 4 stars; one submission).

Submission:

GeneDx
Classification: Uncertain significance. Last evaluated: 2024-05-16. Review status: criteria provided, single submitter. Criteria: GeneDx Variant Classification Process June 2021. Collection method: clinical testing. Allele origin: germline. Affected: yes.
Comment: Not observed at significant frequency in large population cohorts (gnomAD); Nonsense variant predicted to result in protein truncation or nonsense mediated decay in a gene or region of a gene for which loss of function is not a well-established mechanism of disease; Has not been previously published as pathogenic or benign to our knowledge